The following is an entry in ClinVar:

NM_001134363.3(RBM20):c.3594_3623dup (p.Glu1199_Ala1208dup)

Gene: RBM20 (RNA binding motif protein 20; plus strand). Cytogenetic location: 10q25.2.
Variant type: Duplication.
Coding change: c.3594_3623dup on transcript NM_001134363.3 (MANE Select); coding-DNA positions 3594 to 3623, 30 bases duplicated (CGAGGAGGGCCTCAAGGAGACCGAGGGGGC).
Protein change: p.Glu1199_Ala1208dup.
Molecular consequence: inframe insertion.
Genome position (GRCh38, 1-based): chr10:110,835,888-110,835,917, CGAGGAGGGCCTCAAGGAGACCGAGGGGGC duplicated; duplicating any 30 consecutive bases within chr10:110,835,885-110,835,917 gives the same sequence; the c. name uses the placement nearest the transcript's 3' end. VCF-style (leftmost placement, unchanged base first): chr10-110835884-T-TGGCCGAGGAGGGCCTCAAGGAGACCGAGGG. GRCh37 (hg19) VCF-style: chr10-112595642-T-TGGCCGAGGAGGGCCTCAAGGAGACCGAGGG.
Other names: c.3594_3623dupCGAGGAGGGCCTCAAGGAGACCGAGGGGGC (NM_001134363.1).
Identifiers: ClinVar variation 470614 (VCV000470614.7), dbSNP rs1554844950, ClinGen allele CA658658016.

ClinVar aggregate classification (germline): Uncertain significance. Review status: criteria provided, multiple submitters, no conflicts (2 of 4 stars). 2 submissions from 2 submitters: Uncertain significance (2). Last evaluated 2025-05-03.

Conditions:
Dilated cardiomyopathy 1DD (CMD1DD). Identifiers: Orphanet 154, MedGen C2750995, MONDO:0013168, OMIM 613172.
Cardiovascular phenotype. Identifiers: MedGen CN230736.

Submissions (2):

Ambry Genetics
Classification: Uncertain significance for Cardiovascular phenotype. Last evaluated: 2025-05-03. Review status: criteria provided, single submitter. Criteria: Ambry Variant Classification Scheme 2023. Collection method: clinical testing. Allele origin: germline.
Comment: The c.3594_3623dup30 variant (also known as p.E1199_A1208dup), located in coding exon 14 of the RBM20 gene, results from an in-frame duplication of 30 nucleotides at nucleotide positions 3594 to 3623. This results in the duplication of 10 extra residues (EEGLKETEGA) between codons 1199 and 1208. This variant was reported in individual(s) with features consistent with dilated cardiomyopathy (Ambry internal data). This amino acid region is not well conserved in available vertebrate species. In addition, the in silico prediction for this alteration is inconclusive (Choi Y et al. PLoS ONE. 2012; 7(10):e46688). Since supporting evidence is limited at this time, the clinical significance of this alteration remains unclear.

Labcorp Genetics (formerly Invitae), Labcorp
Classification: Uncertain significance for Dilated cardiomyopathy 1DD. Last evaluated: 2021-12-18. Review status: criteria provided, single submitter. Criteria: Invitae Variant Classification Sherloc (09022015). Collection method: clinical testing. Allele origin: germline.
Comment: ClinVar contains an entry for this variant (Variation ID: 470614). This variant has not been reported in the literature in individuals affected with RBM20-related conditions. This variant is not present in population databases (gnomAD no frequency). This variant, c.3594_3623dup, results in the insertion of 10 amino acid(s) of the RBM20 protein (p.Glu1199_Ala1208dup), but otherwise preserves the integrity of the reading frame. Experimental studies and prediction algorithms are not available or were not evaluated, and the functional significance of this variant is currently unknown. In summary, the available evidence is currently insufficient to determine the role of this variant in disease. Therefore, it has been classified as a Variant of Uncertain Significance.